The following is an entry in ClinVar:

ClinVar aggregate classification (germline): Benign. Review status: criteria provided, multiple submitters, no conflicts (2 of 4 stars). 5 submissions from 5 submitters: Benign (4). 1 of the submissions does not count toward it. Last evaluated 2026-02-01.

Conditions:
Immunodeficiency 67. Also called: Immunodeficiency due to interleukin-1 receptor-associated kinase-4 deficiency. Identifiers: Orphanet 70592, MedGen C1843256, MONDO:0011888, OMIM 607676.
IRAK4-related disorder. Also called: IRAK4-related condition.

Allele frequency attached by ClinVar (database versions not stated): 1000 Genomes Project 0.00699; 1000 Genomes Project 30x 0.00703; TOPMed 0.00930; gnomAD 0.00973 and 0.00992; ESP Exome Variant Server 0.01123; gnomAD exomes 0.01128 and 0.01154; ExAC 0.01256.
gnomAD v4.1: 18,313 of 1,603,352 alleles (1.1%); highest among the groups gnomAD compares: Middle Eastern, 2.6%; 149 homozygotes.

Submissions (5):

Labcorp Genetics (formerly Invitae), Labcorp
Classification: Benign for Immunodeficiency 67. Last evaluated: 2026-02-01. Review status: criteria provided, single submitter. Criteria: Invitae Variant Classification Sherloc (09022015). Collection method: clinical testing. Allele origin: germline.

GeneDx
Classification: Benign. Last evaluated: 2021-04-26. Review status: criteria provided, single submitter. Criteria: GeneDx Variant Classification Process June 2021. Collection method: clinical testing. Allele origin: germline. Affected: yes.
Comment: This variant is associated with the following publications: (PMID: 17878374, 30115681, 25764117)

Illumina Laboratory Services, Illumina
Classification: Benign for Immunodeficiency 67. Last evaluated: 2018-01-13. Review status: criteria provided, single submitter. Criteria: ICSL Variant Classification Criteria 13 December 2019. Collection method: clinical testing. Allele origin: germline.
Comment: This variant was observed in the ICSL laboratory as part of a predisposition screen in an ostensibly healthy population. It had not been previously curated by ICSL or reported in the Human Gene Mutation Database (HGMD: prior to June 1st, 2018), and was therefore a candidate for classification through an automated scoring system. Utilizing variant allele frequency, disease prevalence and penetrance estimates, and inheritance mode, an automated score was calculated to assess if this variant is too frequent to cause the disease. Based on the score and internal cut-off values, a variant classified as benign is not then subjected to further curation. The score for this variant resulted in a classification of benign for this disease.

Breakthrough Genomics
Classification: Benign. Review status: criteria provided, single submitter. Criteria: ACMG Guidelines, 2015. Collection method: not provided. Allele origin: germline. Inheritance: Autosomal recessive inheritance. Affected: yes.

PreventionGenetics, part of Exact Sciences
Classification: Benign for IRAK4-related condition. Last evaluated: 2019-11-02. Review status: no assertion criteria provided. Collection method: clinical testing. Allele origin: germline. Not counted in ClinVar's aggregate classification.
Comment: This variant is classified as benign based on ACMG/AMP sequence variant interpretation guidelines (Richards et al. 2015 PMID: 25741868, with internal and published modifications).

NM_016123.4(IRAK4):c.1172G>A (p.Arg391His)

Gene: IRAK4 (interleukin 1 receptor associated kinase 4; plus strand). Cytogenetic location: 12q12.
Variant type: single nucleotide variant.
Coding change: c.1172G>A on transcript NM_016123.4 (MANE Select); coding-DNA position 1172, G replaced by A.
Protein change: p.Arg391His; replaces arginine 391 with histidine.
Molecular consequence: missense variant.
Genome position (GRCh38, 1-based): chr12:43,783,708, G>A. VCF-style: chr12-43783708-G-A. GRCh37 (hg19) VCF-style: chr12-44177511-G-A.
Other names: c.1172G>A, p.Arg391His (NM_001114182.3, NM_001351345.2); c.800G>A, p.Arg267His (NM_001145256.2, NM_001145257.2, NM_001145258.2 and 5 more transcripts); c.563G>A, p.Arg188His (NM_001351343.2, NM_001351344.2); short protein forms R391H, R267H, R188H.
Identifiers: ClinVar variation 464932 (VCV000464932.19), dbSNP rs55944915, ClinGen allele CA6522602.